The following is an entry in ClinVar:

NM_024809.5(TCTN2):c.463+93T>C

Gene: TCTN2 (tectonic family member 2; plus strand). Cytogenetic location: 12q24.31.
Variant type: single nucleotide variant.
Coding change: c.463+93T>C on transcript NM_024809.5 (MANE Select); 93 bases into the intron after coding-DNA position 463, T replaced by C.
Molecular consequence: intron variant.
Genome position (GRCh38, 1-based): chr12:123,673,903, T>C. VCF-style: chr12-123673903-T-C. GRCh37 (hg19) VCF-style: chr12-124158450-T-C.
Other names: c.460+93T>C (NM_001143850.3).
Identifiers: ClinVar variation 675009 (VCV000675009.2), dbSNP rs7953596, ClinGen allele CA13605530.

ClinVar aggregate classification (germline): Benign. Review status: criteria provided, multiple submitters, no conflicts (2 of 4 stars). 2 submissions from 2 submitters: Benign (2). Last evaluated 2018-06-14.

Allele frequency attached by ClinVar (database versions not stated): 1000 Genomes Project 0.27177; 1000 Genomes Project 30x 0.27639; gnomAD 0.35583 and 0.36272; TOPMed 0.35696.
gnomAD v4.1: 455,813 of 1,255,588 alleles (36%); highest among the groups gnomAD compares: African/African-American, 41%; 86,534 homozygotes.

Submissions (2):

GeneDx
Classification: Benign. Last evaluated: 2018-06-14. Review status: criteria provided, single submitter. Criteria: GeneDx Variant Classification (06012015). Collection method: clinical testing. Allele origin: germline. Affected: yes.
Comment: This variant is considered likely benign or benign based on one or more of the following criteria: it is a conservative change, it occurs at a poorly conserved position in the protein, it is predicted to be benign by multiple in silico algorithms, and/or has population frequency not consistent with disease.

Breakthrough Genomics
Classification: Benign. Review status: criteria provided, single submitter. Criteria: ACMG Guidelines, 2015. Collection method: not provided. Allele origin: germline. Inheritance: Autosomal recessive inheritance. Affected: yes.